The following is an entry in ClinVar:

NM_000202.8(IDS):c.552C>G (p.Cys184Trp)

Genes: IDS (iduronate 2-sulfatase; minus strand), LOC106050102 (IDS recombination region; plus strand). Cytogenetic location: Xq28.
Variant type: single nucleotide variant.
Coding change: c.552C>G on transcript NM_000202.8 (MANE Select); coding-DNA position 552, C replaced by G.
Protein change: p.Cys184Trp; replaces cysteine 184 with tryptophan.
Molecular consequence: missense variant. On other transcripts: non-coding transcript variant (1).
Genome position (GRCh38, 1-based): chrX:149,498,263, G>C on the plus strand (C>G on the coding strand, the complement: IDS is on the minus strand). VCF-style: chrX-149498263-G-C. GRCh37 (hg19) VCF-style: chrX-148579794-G-C.
Other names: c.282C>G, p.Cys94Trp (NM_001166550.4); c.552C>G, p.Cys184Trp (NM_006123.5); short protein forms C184W, C94W.
Identifiers: ClinVar variation 3255766 (VCV003255766.2).

ClinVar aggregate classification (germline): Pathogenic (1 of 4 stars; one submission).

Conditions:
Mucopolysaccharidosis, MPS-II (MPS2). Also called: Hunter Syndrome; IDURONATE 2-SULFATASE DEFICIENCY; Mucopolysaccharidosis Type II; Mucopolysaccharidosis type 2; Attenuated MPS (subtype; formerly known as mild MPS II); Severe MPS II. Identifiers: Orphanet 580, Orphanet 79388, MedGen C0026705, MONDO:0010674, OMIM 309900.

Submission:

Laboratory of Diagnosis and Therapy of Lysosomal Disorders, University of Padova
Classification: Pathogenic for Mucopolysaccharidosis, MPS-II. Last evaluated: 2024-06-07. Review status: criteria provided, single submitter. Criteria: ACMG Guidelines, 2015. Collection method: literature only. Allele origin: germline. Affected: yes. Observed: 1 variant allele.
Comment: Located in a mutational hot spot and/or critical functional domain (PM1_Moderate), Absent from controls (or at low frequency) in gnomAD database (PM2_Moderate), Missense variant in a gene with a low rate of benign missense variation (PP2_Supporting), Multiple lines of computational evidence support a deleterious effect (PP3_Supporting), Patient’s phenotype or family history highly specific for the disease (PP4_Strong)

Classification method: ACMG Guidelines [PMID:25741868] with modifications

Literature cited by the submitters: PubMed 10671065.